The following is an entry in ClinVar:

NM_000059.4(BRCA2):c.7768_7769dup (p.Asn2591fs)

Gene: BRCA2 (BRCA2 DNA repair associated; plus strand). Cytogenetic location: 13q13.1.
Variant type: Duplication.
Coding change: c.7768_7769dup on transcript NM_000059.4 (MANE Select); coding-DNA positions 7768 to 7769, 2 bases duplicated (TC; older notation c.7768_7769dupTC).
Protein change: p.Asn2591fs; shifts the reading frame from asparagine 2591.
Molecular consequence: frameshift variant.
Genome position (GRCh38, 1-based): chr13:32,357,892-32,357,893, TC duplicated; duplicating any 2 consecutive bases within chr13:32,357,891-32,357,893 gives the same sequence; the c. name uses the placement nearest the transcript's 3' end. VCF-style (leftmost placement, unchanged base first): chr13-32357890-C-CCT. GRCh37 (hg19) VCF-style: chr13-32932027-C-CCT.
Other names: short protein forms N2591fs.
Identifiers: ClinVar variation 1073236 (VCV001073236.9), dbSNP rs2137567568, ClinGen allele CA2499222307.
Genomic context (GRCh38, chr13:32,357,890, plus strand): 5'-GTAAGGAAAGTTTATGGACTGGAAAAGGAATACAGTTGGCTGATGGTGGATGGCTCATAC[C>CCT]CTCCAATGATGGAAAGGCTGGAAAAGAAGAATTTTATAGGTACTCTATGCAAAAAGATTG-3'

ClinVar aggregate classification (germline): Pathogenic (1 of 4 stars; one submission).

Conditions:
Hereditary breast ovarian cancer syndrome. Also called: Hereditary breast and ovarian cancer syndrome (HBOC); Hereditary breast and/or ovarian cancer syndrome; Hereditary breast and ovarian cancer; BRCA1- and BRCA2-Associated Hereditary Breast and Ovarian Cancer; Hereditary breast and ovarian cancer syndrome; Breast and ovarian cancer. Identifiers: Orphanet 145, MedGen C0677776, MeSH D061325, MONDO:0003582. Disease mechanism: loss of function.

Submission:

Labcorp Genetics (formerly Invitae), Labcorp
Classification: Pathogenic for Hereditary breast ovarian cancer syndrome. Last evaluated: 2020-01-10. Review status: criteria provided, single submitter. Criteria: Invitae Variant Classification Sherloc (09022015). Collection method: clinical testing. Allele origin: germline.
Comment: This variant has not been reported in the literature in individuals with BRCA2-related conditions. Loss-of-function variants in BRCA2 are known to be pathogenic (PMID: 20104584). For these reasons, this variant has been classified as Pathogenic. This variant is not present in population databases (ExAC no frequency). This sequence change creates a premature translational stop signal (p.Asn2591Profs*58) in the BRCA2 gene. It is expected to result in an absent or disrupted protein product.

Literature cited by the submitters: PubMed 20104584.